The following is an entry in ClinVar:

ClinVar aggregate classification (germline): Uncertain significance. Review status: criteria provided, multiple submitters, no conflicts (2 of 4 stars). 2 submissions from 2 submitters: Uncertain significance (2). Last evaluated 2022-08-19.

Allele frequency attached by ClinVar (database versions not stated): TOPMed 0.00022; ESP Exome Variant Server 0.00038; gnomAD 0.00025; ExAC 0.00020.
gnomAD v4.1: 1,205 of 1,614,072 alleles (0.075%); highest among the groups gnomAD compares: Non-Finnish European, 0.1%; 2 homozygotes.

Submissions (2):

Labcorp Genetics (formerly Invitae), Labcorp
Classification: Uncertain significance. Last evaluated: 2022-08-19. Review status: criteria provided, single submitter. Criteria: Invitae Variant Classification Sherloc (09022015). Collection method: clinical testing. Allele origin: germline.
Comment: This sequence change replaces threonine, which is neutral and polar, with isoleucine, which is neutral and non-polar, at codon 43 of the EMP2 protein (p.Thr43Ile). This variant is present in population databases (rs137895000, gnomAD 0.04%). This variant has not been reported in the literature in individuals affected with EMP2-related conditions. Algorithms developed to predict the effect of missense changes on protein structure and function output the following: SIFT: "Tolerated"; PolyPhen-2: "Benign"; Align-GVGD: "Class C0". The isoleucine amino acid residue is found in multiple mammalian species, which suggests that this missense change does not adversely affect protein function. In summary, the available evidence is currently insufficient to determine the role of this variant in disease. Therefore, it has been classified as a Variant of Uncertain Significance.

Ambry Genetics
Classification: Uncertain significance. Last evaluated: 2021-09-01. Review status: criteria provided, single submitter. Criteria: Ambry Variant Classification Scheme 2023. Collection method: clinical testing. Allele origin: germline.

NM_001424.6(EMP2):c.128C>T (p.Thr43Ile)

Gene: EMP2 (epithelial membrane protein 2; minus strand). Cytogenetic location: 16p13.13.
Variant type: single nucleotide variant.
Coding change: c.128C>T on transcript NM_001424.6 (MANE Select); coding-DNA position 128, C replaced by T.
Protein change: p.Thr43Ile; replaces threonine 43 with isoleucine.
Molecular consequence: missense variant.
Genome position (GRCh38, 1-based): chr16:10,543,611, G>A on the plus strand (C>T on the coding strand, the complement: EMP2 is on the minus strand). VCF-style: chr16-10543611-G-A. GRCh37 (hg19) VCF-style: chr16-10637468-G-A.
Other names: short protein forms T43I.
Identifiers: ClinVar variation 2038547 (VCV002038547.5), dbSNP rs137895000, ClinGen allele CA7897866.